The following is an entry in ClinVar:

ClinVar aggregate classification (germline): Conflicting classifications of pathogenicity. Review status: criteria provided, conflicting classifications (1 of 4 stars). 7 submissions from 7 submitters: Uncertain significance (6); Likely benign (1). Last evaluated 2026-01-18.

Conditions:
Rapadilino syndrome. Identifiers: Orphanet 3021, MedGen C1849453, MONDO:0009955, OMIM 266280.
Rothmund-Thomson syndrome (RTS). Also called: Poikiloderma of Rothmund-Thomson; Poikiloderma Congenitale. Identifiers: Orphanet 2909, MedGen C0032339, MONDO:0010002.
Baller-Gerold syndrome (BGS). Also called: CRANIOSYNOSTOSIS WITH RADIAL DEFECTS. Identifiers: Orphanet 1225, MedGen C0265308, MONDO:0009039, OMIM 218600.
Rothmund-Thomson syndrome type 2 (RTS2). Identifiers: Orphanet 221016, MedGen C5203410, MONDO:0016369, OMIM 268400.

Allele frequency attached by ClinVar (database versions not stated): ESP Exome Variant Server 0.00016; gnomAD 0.00023 and 0.00024; ExAC 0.00025; TOPMed 0.00026; gnomAD exomes 0.00037.
gnomAD v4.1: 587 of 1,612,860 alleles (0.036%); highest among the groups gnomAD compares: Non-Finnish European, 0.047%; 1 homozygote.

Submissions (7):

Labcorp Genetics (formerly Invitae), Labcorp
Classification: Uncertain significance for Baller-Gerold syndrome. Last evaluated: 2026-01-18. Review status: criteria provided, single submitter. Criteria: Invitae Variant Classification Sherloc (09022015). Collection method: clinical testing. Allele origin: germline.
Comment: This sequence change replaces glycine, which is neutral and non-polar, with arginine, which is basic and polar, at codon 387 of the RECQL4 protein (p.Gly387Arg). This variant is present in population databases (rs202043854, gnomAD 0.04%). This variant has not been reported in the literature in individuals affected with RECQL4-related conditions. ClinVar contains an entry for this variant (Variation ID: 239693). Invitae Evidence Modeling of protein sequence and biophysical properties (such as structural, functional, and spatial information, amino acid conservation, physicochemical variation, residue mobility, and thermodynamic stability) indicates that this missense variant is not expected to disrupt RECQL4 protein function with a negative predictive value of 80%. In summary, the available evidence is currently insufficient to determine the role of this variant in disease. Therefore, it has been classified as a Variant of Uncertain Significance.

St. Jude Molecular Pathology, St. Jude Children's Research Hospital
Classification: Uncertain significance for Rothmund-Thomson syndrome type 2. Last evaluated: 2025-06-17. Review status: criteria provided, single submitter. Criteria: St. Jude Assertion Criteria 2020. Collection method: clinical testing. Allele origin: germline.
Comment: The RECQL4 c.1159G>A p.(Gly387Arg) missense change has a maximum subpopulation frequency of 0.040% in gnomAD v2.1.1. In silico tools predict a benign effect of this variant on protein function, but to our knowledge functional studies have not been performed. This variant has been identified in 5 of 1358 control individuals collected as part of a non-cancer studies (PMID: 29641532). To our knowledge, this variant has not been reported in individuals with RECQL4-associated conditions. In summary, the evidence currently available is insufficient to determine the clinical significance of this variant. It has therefore been classified as of uncertain significance.

Blueprint Genetics
Classification: Likely benign. Last evaluated: 2024-09-14. Review status: criteria provided, single submitter. Criteria: ACMG Guidelines, 2015. Collection method: clinical testing. Allele origin: germline.

GeneDx
Classification: Uncertain significance. Last evaluated: 2023-07-20. Review status: criteria provided, single submitter. Criteria: GeneDx Variant Classification Process June 2021. Collection method: clinical testing. Allele origin: germline. Affected: yes.
Comment: In silico analysis supports that this missense variant has a deleterious effect on protein structure/function; Has not been previously published as pathogenic or benign to our knowledge

Baylor Genetics
Classification: Uncertain significance for Rothmund-Thomson syndrome type 2. Last evaluated: 2019-02-21. Review status: criteria provided, single submitter. Criteria: ACMG Guidelines, 2015. Collection method: clinical testing. Allele origin: unknown. Affected: yes. Study: CSER-TexasKidsCanSeq.
Comment: This variant was determined to be of uncertain significance according to ACMG Guidelines, 2015 [PMID:25741868].

Fulgent Genetics
Classification: Uncertain significance for Baller-Gerold syndrome; Rapadilino syndrome; Rothmund-Thomson syndrome type 2. Last evaluated: 2018-10-31. Review status: criteria provided, single submitter. Criteria: ACMG Guidelines, 2015. Collection method: clinical testing. Allele origin: unknown.

Eurofins Ntd Llc (ga)
Classification: Uncertain significance. Last evaluated: 2017-07-10. Review status: criteria provided, single submitter. Criteria: EGL Classification Definitions 2015. Collection method: clinical testing. Allele origin: germline. Observed: 1 variant allele, 1 heterozygote.

NM_004260.4(RECQL4):c.1159G>A (p.Gly387Arg)

Gene: RECQL4 (RecQ like helicase 4; minus strand). Cytogenetic location: 8q24.3.
Variant type: single nucleotide variant.
Coding change: c.1159G>A on transcript NM_004260.4 (MANE Select); coding-DNA position 1159, G replaced by A.
Protein change: p.Gly387Arg; replaces glycine 387 with arginine.
Molecular consequence: missense variant.
Genome position (GRCh38, 1-based): chr8:144,515,863, C>T on the plus strand (G>A on the coding strand, the complement: RECQL4 is on the minus strand). VCF-style: chr8-144515863-C-T. GRCh37 (hg19) VCF-style: chr8-145741247-C-T.
Other names: short protein forms G387R.
Identifiers: ClinVar variation 239693 (VCV000239693.22), dbSNP rs202043854, ClinGen allele CA4949005.
Genomic context (GRCh38, chr8:144,515,863, plus strand): 5'-CGTTCAGGAAACAAGACTCCTTGGTTGTGACTGTGGCACCACCACCCCCAAAACACTCCC[C>T]TTTCTTCCGCCACTTCTGCTTCCATGCCTGGGGGGTGCCCACATAGGAGGGTCACTGGGC-3'
Protein context (NP_004251.4, residues 377-397): QAWKQKWRKK[Gly387Arg]ECFGGGGATV